The following is an entry in ClinVar:

ClinVar aggregate classification (germline): Uncertain significance. Review status: criteria provided, multiple submitters, no conflicts (2 of 4 stars). 8 submissions from 8 submitters: Uncertain significance (7). 1 of the submissions does not count toward it. Last evaluated 2025-09-28.

Conditions:
Congenital multicore myopathy with external ophthalmoplegia (CMYO1B). Also called: MULTICORE MYOPATHY; Minicore myopathy with external ophthalmoplegia; Congenital myopathy 1B, autosomal recessive; Minicore myopathy; MULTIMINICORE DISEASE WITH EXTERNAL OPHTHALMOPLEGIA. Identifiers: Orphanet 598, Orphanet 98905, MedGen C1850674, MONDO:0009712, OMIM 255320, HP:0003789.
Congenital myopathy with fiber type disproportion. Also called: Congenital fiber-type disproportion myopathy; Congenital fiber-type disproportion. Identifiers: Orphanet 2020, MedGen C0546264, MONDO:0009711. Inheritance: all.
Central core myopathy (CMYO1A). Also called: Central core disease; Myopathy, central fibrillar; CONGENITAL MYOPATHY 1A, AUTOSOMAL DOMINANT, WITH SUSCEPTIBILITY TO MALIGNANT HYPERTHERMIA. Identifiers: Orphanet 597, MedGen C5830701, MONDO:0007294, OMIM 117000.
Malignant hyperthermia, susceptibility to, 1 (MHS1). Also called: Malignant hyperthermia suceptibility 1; Anesthesia related hyperthermia; Malignant hyperpyrexia; Fulminating hyperpyrexia; Pharmacogenic myopathy; RYR1-Related Malignant Hyperthermia Susceptibility. Identifiers: Orphanet 423, MedGen C2930980, MONDO:0007783, OMIM 145600.
King Denborough syndrome (KDS). Identifiers: MedGen C1840365, MONDO:0020485, OMIM 619542.
RYR1-related disorder. Also called: RYR1-related disorders; RYR1-related condition. Identifiers: MedGen CN239331.

Allele frequency attached by ClinVar (database versions not stated): ExAC 0.00023; ESP Exome Variant Server 0.00008; TOPMed 0.00005; gnomAD 0.00007; gnomAD exomes 0.00010.
gnomAD v4.1: 136 of 1,582,528 alleles (0.0086%); highest among the groups gnomAD compares: Middle Eastern, 0.017%; no homozygotes.

Submissions (8):

Labcorp Genetics (formerly Invitae), Labcorp
Classification: Uncertain significance for RYR1-related disorder. Last evaluated: 2025-09-28. Review status: criteria provided, single submitter. Criteria: Invitae Variant Classification Sherloc (09022015). Collection method: clinical testing. Allele origin: germline.
Comment: This sequence change replaces lysine, which is basic and polar, with arginine, which is basic and polar, at codon 4210 of the RYR1 protein (p.Lys4210Arg). This variant is present in population databases (rs138932463, gnomAD 0.02%). This missense change has been observed in individual(s) with autosomal recessive RYR1-related myopathy and/or multiminicore disease (PMID: 25960145, 26019235). ClinVar contains an entry for this variant (Variation ID: 93246). Invitae Evidence Modeling of protein sequence and biophysical properties (such as structural, functional, and spatial information, amino acid conservation, physicochemical variation, residue mobility, and thermodynamic stability) indicates that this missense variant is not expected to disrupt RYR1 protein function with a negative predictive value of 80%. In summary, the available evidence is currently insufficient to determine the role of this variant in disease. Therefore, it has been classified as a Variant of Uncertain Significance.

All of Us Research Program, National Institutes of Health
Classification: Uncertain significance for Malignant hyperthermia, susceptibility to, 1. Last evaluated: 2024-09-23. Review status: criteria provided, single submitter. Criteria: ACMG Guidelines, 2015. Collection method: clinical testing. Allele origin: germline. Inheritance: Autosomal dominant inheritance. Observed: 37 variant alleles, 37 heterozygotes.
Comment: This missense variant replaces lysine with arginine at codon 4210 of the RYR1 protein. Computational prediction suggests that this variant may not impact protein structure and function (internally defined REVEL score threshold <= 0.5, PMID: 27666373). To our knowledge, functional studies have not been reported for this variant. This variant has not been reported in individuals affected with malignant hyperthermia susceptibility in the literature. This variant has been observed in individuals with multimini-core disease case (PMID: 25960145) and congenital myopathy (PMID: 26019235). This variant has been identified in 23/232710 chromosomes in the general population by the Genome Aggregation Database (gnomAD). The available evidence is insufficient to determine the role of this variant in disease conclusively. Therefore, this variant is classified as a Variant of Uncertain Significance.

This study involves interpretation of variants in research participants for the purpose of population health screening. Participant phenotype was not available at the time of variant classification. Additional details can be found in publication PMID: 35346344, PMCID: PMC8962531

Women's Health and Genetics/Laboratory Corporation of America, LabCorp
Classification: Uncertain significance. Last evaluated: 2024-07-30. Review status: criteria provided, single submitter. Criteria: LabCorp Variant Classification Summary - May 2015. Collection method: clinical testing. Allele origin: germline.
Comment: Variant summary: RYR1 c.12629A>G (p.Lys4210Arg) results in a conservative amino acid change in the encoded protein sequence. Two of four in-silico tools predict a benign effect of the variant on protein function. The variant allele was found at a frequency of 9.9e-05 in 201352 control chromosomes. This frequency is not significantly higher than estimated for a pathogenic variant in RYR1 causing Myopathy, RYR1-Associated, allowing no conclusion about variant significance. c.12629A>G has been reported in the literature in individuals affected with multiminicore disease (Snoeck_2015, Rokach_2015). These data do not allow clear conclusion about variant significance. The following publications have been ascertained in the context of this evaluation (PMID: 26019235, 25960145). To our knowledge, no experimental evidence demonstrating an impact on protein function has been reported. ClinVar contains an entry for this variant (Variation ID: 93246). Based on the evidence outlined above, the variant was classified as uncertain significance.

Revvity Omics, Revvity
Classification: Uncertain significance. Last evaluated: 2023-12-16. Review status: criteria provided, single submitter. Criteria: ACMG Guidelines, 2015. Collection method: clinical testing. Allele origin: germline.

GeneDx
Classification: Uncertain significance. Last evaluated: 2022-09-20. Review status: criteria provided, single submitter. Criteria: GeneDx Variant Classification Process June 2021. Collection method: clinical testing. Allele origin: germline. Affected: yes.
Comment: Reported previously in association with RYR1-related disorders in patients harboring additional RYR1 variants (Snoeck et al., 2015; Rokach et al., 2015); In silico analysis supports that this missense variant does not alter protein structure/function; This variant is associated with the following publications: (PMID: 26019235, 25960145)

Fulgent Genetics
Classification: Uncertain significance for Central core myopathy; Malignant hyperthermia, susceptibility to, 1; Congenital myopathy 4A, autosomal dominant; Congenital multicore myopathy with external ophthalmoplegia; King Denborough syndrome. Last evaluated: 2021-07-23. Review status: criteria provided, single submitter. Criteria: ACMG Guidelines, 2015. Collection method: clinical testing. Allele origin: unknown.

Eurofins Ntd Llc (ga)
Classification: Uncertain significance. Last evaluated: 2013-09-12. Review status: criteria provided, single submitter. Criteria: EGL Classification Definitions 2015. Collection method: clinical testing. Allele origin: germline. Observed: 2 variant alleles, 2 heterozygotes.

PreventionGenetics, part of Exact Sciences
Classification: Uncertain significance for RYR1-related condition. Last evaluated: 2024-08-23. Review status: no assertion criteria provided. Collection method: clinical testing. Allele origin: germline. Not counted in ClinVar's aggregate classification.
Comment: The RYR1 c.12629A>G variant is predicted to result in the amino acid substitution p.Lys4210Arg. This variant was reported in one patient with multiminicore disease (Snoeck et al. 2015. PubMed ID: 25960145, see Patient #53 in Table 3), but this patient also had four other rare missense variants in RYR1, and so the effect of the c.12629A>G (p.Lys4210Arg) variant alone is difficult to discern. This variant is reported in 0.019% of alleles in individuals of European (Non-Finnish) descent in gnomAD. At this time, the clinical significance of this variant is uncertain due to the absence of conclusive functional and genetic evidence.

Literature cited by the submitters: PubMed 25960145 (cited by 3 submitters); PubMed 26019235 (cited by 3 submitters).

NM_000540.3(RYR1):c.12629A>G (p.Lys4210Arg)

Gene: RYR1 (ryanodine receptor 1; plus strand). Cytogenetic location: 19q13.2.
Variant type: single nucleotide variant.
Coding change: c.12629A>G on transcript NM_000540.3 (MANE Select); coding-DNA position 12629, A replaced by G.
Protein change: p.Lys4210Arg; replaces lysine 4210 with arginine.
Molecular consequence: missense variant.
Genome position (GRCh38, 1-based): chr19:38,564,963, A>G. VCF-style: chr19-38564963-A-G. GRCh37 (hg19) VCF-style: chr19-39055603-A-G.
Other names: c.12614A>G, p.Lys4205Arg (NM_001042723.2); short protein forms K4205R.
Identifiers: ClinVar variation 93246 (VCV000093246.33), dbSNP rs138932463, ClinGen allele CA023995.